The following is an entry in ClinVar:

NM_018965.4(TREM2):c.558G>T (p.Lys186Asn)

Gene: TREM2 (triggering receptor expressed on myeloid cells 2; minus strand). Cytogenetic location: 6p21.1.
Variant type: single nucleotide variant.
Coding change: c.558G>T on transcript NM_018965.4 (MANE Select); coding-DNA position 558, G replaced by T.
Protein change: p.Lys186Asn; replaces lysine 186 with asparagine.
Molecular consequence: missense variant. On other transcripts: intron variant (1).
Genome position (GRCh38, 1-based): chr6:41,158,991, C>A on the plus strand (G>T on the coding strand, the complement: TREM2 is on the minus strand). VCF-style: chr6-41158991-C-A. GRCh37 (hg19) VCF-style: chr6-41126729-C-A.
Other names: c.483-211G>T (NM_001271821.2); short protein forms K186N.
Identifiers: ClinVar variation 5214 (VCV000005214.2), dbSNP rs28937876, ClinGen allele CA253434.
Genomic context (GRCh38, chr6:41,158,991, plus strand): 5'-ATGTGTCCCTGGCTTCTGTCCATGCCAGGCTGCAGCCCAGAGGGCGCTGGCTGCTAGAAT[C>A]TTGATGAGAAAGATGCAGGCCAGGAGGAGAAGGATGGAAGTGGGTGGGAAGGGGATTTCT-3'
Protein context (NP_061838.1, residues 176-196): LLLLACIFLI[Lys186Asn]ILAASALWAA

ClinVar aggregate classification (germline): Uncertain significance. Review status: criteria provided, single submitter (1 of 4 stars). 2 submissions from 2 submitters: Uncertain significance (1). 1 of the submissions does not count toward it. Last evaluated 2019-10-17.

Conditions:
Polycystic lipomembranous osteodysplasia with sclerosing leukoencephalopathy 2. Also called: TREM2-Related Polycystic Lipomembranous Osteodysplasia with Sclerosing Leukoencephalopathy. Identifiers: MedGen C4748657, MONDO:0020750, OMIM 618193.

Submissions (2):

SIB Swiss Institute of Bioinformatics
Classification: Uncertain significance for Polycystic lipomembranous osteodysplasia with sclerosing leukoencephalopathy 2. Last evaluated: 2019-10-17. Review status: criteria provided, single submitter. Criteria: ACMG Guidelines, 2015. Collection method: curation. Allele origin: unknown.
Comment: This variant is interpreted as a variant of uncertain significance for Polycystic lipomembranous osteodysplasia with sclerosing leukoencephalopathy 2 , autosomal recessive. The following ACMG Tag(s) were applied: PM2, PP3, PP1, PM3-Supporting.

OMIM
Classification: Pathogenic for POLYCYSTIC LIPOMEMBRANOUS OSTEODYSPLASIA WITH SCLEROSING LEUKOENCEPHALOPATHY 2. Last evaluated: 2002-09-01. Review status: no assertion criteria provided. Collection method: literature only. Allele origin: germline. Not counted in ClinVar's aggregate classification.

Literature cited by the submitters: PubMed 12080485 (cited by SIB Swiss Institute of Bioinformatics and OMIM).